The following is an entry in ClinVar:

NM_138694.4(PKHD1):c.5731C>T (p.Arg1911Cys)

Gene: PKHD1 (PKHD1 ciliary IPT domain containing fibrocystin/polyductin; minus strand). Cytogenetic location: 6p12.2.
Variant type: single nucleotide variant.
Coding change: c.5731C>T on transcript NM_138694.4 (MANE Select); coding-DNA position 5731, C replaced by T.
Protein change: p.Arg1911Cys; replaces arginine 1911 with cysteine.
Molecular consequence: missense variant.
Genome position (GRCh38, 1-based): chr6:52,010,329, G>A on the plus strand (C>T on the coding strand, the complement: PKHD1 is on the minus strand). VCF-style: chr6-52010329-G-A. GRCh37 (hg19) VCF-style: chr6-51875127-G-A.
Other names: c.5731C>T, p.Arg1911Cys (NM_170724.3); short protein forms R1911C.
Identifiers: ClinVar variation 96412 (VCV000096412.24), dbSNP rs149553146, ClinGen allele CA224082.
Genomic context (GRCh38, chr6:52,010,329, plus strand): 5'-GAGCTGTTTGAATCAGTCTGTAAAAAAGATTTGATTATACCTGAGTGTTCTGGCCCCAGC[G>A]TTTCCGTATCTCAGTAATCTTGACGGTAATTGGCTGATTGGGCGTCTCACACTCCATCTC-3'
Protein context (NP_619639.3, residues 1901-1921): ITVKITEIRK[Arg1911Cys]WGQNTQGNFS

ClinVar aggregate classification (germline): Conflicting classifications of pathogenicity. Review status: criteria provided, conflicting classifications (1 of 4 stars). 8 submissions from 8 submitters: Uncertain significance (5); Likely benign (1). 2 of the submissions do not count toward it. Last evaluated 2026-01-24.

Conditions:
PKHD1-related disorder. Also called: PKHD1-related condition.
Polycystic kidney disease 4 (PKD4). Also called: POLYCYSTIC KIDNEY AND HEPATIC DISEASE 1; POLYCYSTIC KIDNEY DISEASE, INFANTILE, TYPE I; POLYCYSTIC KIDNEY DISEASE 4 WITH OR WITHOUT POLYCYSTIC LIVER DISEASE; Autosomal Recessive Polycystic Kidney Disease – PKHD1; PKD3. Identifiers: MedGen C4540575, MONDO:0033004, OMIM 263200.
Autosomal recessive polycystic kidney disease (ARPKD). Also called: AR polycystic kidney disease. Identifiers: Orphanet 731, Orphanet 8378, MedGen C0085548, MeSH D017044, MONDO:0009889.

Allele frequency attached by ClinVar (database versions not stated): gnomAD exomes 0.00016; gnomAD 0.00032 and 0.00033; ExAC 0.00016; ESP Exome Variant Server 0.00031; TOPMed 0.00031.
gnomAD v4.1: 615 of 1,613,604 alleles (0.038%); highest among the groups gnomAD compares: Non-Finnish European, 0.049%; no homozygotes.

Submissions (8):

Labcorp Genetics (formerly Invitae), Labcorp
Classification: Likely benign for Autosomal recessive polycystic kidney disease. Last evaluated: 2026-01-24. Review status: criteria provided, single submitter. Criteria: Invitae Variant Classification Sherloc (09022015). Collection method: clinical testing. Allele origin: germline.

GeneDx
Classification: Uncertain significance. Last evaluated: 2023-09-06. Review status: criteria provided, single submitter. Criteria: GeneDx Variant Classification Process June 2021. Collection method: clinical testing. Allele origin: germline. Affected: yes.
Comment: In silico analysis supports that this missense variant does not alter protein structure/function; Has not been previously published as pathogenic or benign in association with PKDH1-related disorders to our knowledge; This variant is associated with the following publications: (PMID: 25363768, 31785789, 34011629)

Mayo Clinic Laboratories, Mayo Clinic
Classification: Uncertain significance. Last evaluated: 2023-01-27. Review status: criteria provided, single submitter. Criteria: ACMG Guidelines, 2015. Collection method: clinical testing. Allele origin: germline. Observed: 1 variant allele.
Comment: PM2

Department of Pathology and Laboratory Medicine, Sinai Health System
Classification: Uncertain significance for Polycystic kidney disease 4. Last evaluated: 2021-10-25. Review status: criteria provided, single submitter. Criteria: ACMG Guidelines, 2015. Collection method: research. Allele origin: germline.

Eurofins Ntd Llc (ga)
Classification: Uncertain significance. Last evaluated: 2017-11-06. Review status: criteria provided, single submitter. Criteria: EGL Classification Definitions 2015. Collection method: clinical testing. Allele origin: germline. Observed: 3 variant alleles, 3 heterozygotes.

Illumina Laboratory Services, Illumina
Classification: Uncertain significance for Polycystic kidney disease 4. Last evaluated: 2017-04-27. Review status: criteria provided, single submitter. Criteria: ICSL Variant Classification Criteria 13 December 2019. Collection method: clinical testing. Allele origin: germline.

PreventionGenetics, part of Exact Sciences
Classification: Uncertain significance for PKHD1-related condition. Last evaluated: 2024-02-21. Review status: no assertion criteria provided. Collection method: clinical testing. Allele origin: germline. Not counted in ClinVar's aggregate classification.
Comment: The PKHD1 c.5731C>T variant is predicted to result in the amino acid substitution p.Arg1911Cys. To our knowledge, this variant has not been reported in patients with autosomal recessive polycystic kidney disease (ARPKD) in the literature. However, this variant has been reported to occur de novo in individuals with autism spectrum disorder (Iossifov et al. 2014. PubMed ID: 25363768, Suppl. Table 2; Koire et al. 2021. PubMed ID: 34011629, Table S1; Turner et al. 2019. PubMed ID: 31785789, Table S2). This variant is reported in 0.039% of alleles in individuals of Ashkenazi Jewish descent in gnomAD. At this time, the clinical significance of this variant is uncertain due to the absence of conclusive functional and genetic evidence.

Counsyl
Classification: Uncertain significance for Polycystic kidney disease 4. Last evaluated: 2017-12-11. Review status: no assertion criteria provided. Collection method: clinical testing. Allele origin: unknown. Not counted in ClinVar's aggregate classification.